The following is an entry in ClinVar:

NM_153240.5(NPHP3):c.410del (p.Tyr137fs)

Genes: NPHP3 (nephrocystin 3; minus strand), NPHP3-ACAD11 (NPHP3-ACAD11 readthrough (NMD candidate); minus strand). Cytogenetic location: 3q22.1.
Variant type: Deletion.
Coding change: c.410del on transcript NM_153240.5 (MANE Select); coding-DNA position 410, one base deleted (A; older notation c.410delA).
Protein change: p.Tyr137fs; shifts the reading frame from tyrosine 137.
Molecular consequence: frameshift variant. On other transcripts: non-coding transcript variant (1).
Genome position (GRCh38, 1-based): chr3:132,719,814, T deleted on the plus strand (A on the coding strand, the reverse complement: NPHP3 is on the minus strand). VCF-style (leftmost placement, unchanged base first): chr3-132719813-AT-A. GRCh37 (hg19) VCF-style: chr3-132438657-AT-A.
Other names: short protein forms Y137fs.
Identifiers: ClinVar variation 571089 (VCV000571089.6), dbSNP rs1560017690, ClinGen allele CA891842766.

ClinVar aggregate classification (germline): Pathogenic (1 of 4 stars; one submission).

Conditions:
Nephronophthisis. Also called: Juvenile Nephronophthisis. Identifiers: Orphanet 655, MedGen C0687120, MONDO:0019005, HP:0000090.

Submission:

Labcorp Genetics (formerly Invitae), Labcorp
Classification: Pathogenic for Nephronophthisis. Last evaluated: 2022-02-24. Review status: criteria provided, single submitter. Criteria: Invitae Variant Classification Sherloc (09022015). Collection method: clinical testing. Allele origin: germline.
Comment: This sequence change creates a premature translational stop signal (p.Tyr137Phefs*12) in the NPHP3 gene. It is expected to result in an absent or disrupted protein product. Loss-of-function variants in NPHP3 are known to be pathogenic (PMID: 18371931, 23559409). For these reasons, this variant has been classified as Pathogenic. ClinVar contains an entry for this variant (Variation ID: 571089). This variant has not been reported in the literature in individuals affected with NPHP3-related conditions. This variant is not present in population databases (gnomAD no frequency).

Literature cited by the submitters: PubMed 18371931; PubMed 23559409.